The following is an entry in ClinVar:

ClinVar aggregate classification (germline): Uncertain significance. Review status: criteria provided, multiple submitters, no conflicts (2 of 4 stars). 2 submissions from 2 submitters: Uncertain significance (2). Last evaluated 2025-03-17.

Conditions:
Intellectual developmental disorder, autosomal recessive 59. Also called: Intellectual disability, autosomal recessive 59. Identifiers: MedGen C4310619, MONDO:0015020, OMIM 617323.

Allele frequency attached by ClinVar (database versions not stated): gnomAD exomes 0.00001 and 0.00002; ExAC 0.00001; TOPMed 0.00002; gnomAD 0.00001; ESP Exome Variant Server 0.00008.
gnomAD v4.1: 15 of 1,612,722 alleles (0.00093%); highest among the groups gnomAD compares: Admixed American, 0.005%; no homozygotes.

Submissions (2):

Ambry Genetics
Classification: Uncertain significance. Last evaluated: 2025-03-17. Review status: criteria provided, single submitter. Criteria: Ambry Variant Classification Scheme 2023. Collection method: clinical testing. Allele origin: germline.

Baylor Genetics
Classification: Uncertain significance for Intellectual developmental disorder, autosomal recessive 59. Last evaluated: 2018-11-15. Review status: criteria provided, single submitter. Criteria: ACMG Guidelines, 2015. Collection method: clinical testing. Allele origin: unknown. Affected: yes.
Comment: This variant was determined to be of uncertain significance according to ACMG Guidelines, 2015 [PMID:25741868].

NM_005536.4(IMPA1):c.613A>G (p.Thr205Ala)

Gene: IMPA1 (inositol monophosphatase 1; minus strand). Cytogenetic location: 8q21.13.
Variant type: single nucleotide variant.
Coding change: c.613A>G on transcript NM_005536.4 (MANE Select); coding-DNA position 613, A replaced by G.
Protein change: p.Thr205Ala; replaces threonine 205 with alanine.
Molecular consequence: missense variant. On other transcripts: synonymous variant (1).
Genome position (GRCh38, 1-based): chr8:81,660,621, T>C on the plus strand (A>G on the coding strand, the complement: IMPA1 is on the minus strand). VCF-style: chr8-81660621-T-C. GRCh37 (hg19) VCF-style: chr8-82572856-T-C.
Other names: c.790A>G (NM_001144878.1); c.790A>G, p.Thr264Ala (NM_001144878.2); c.504A>G, p.Gln168= (NM_001144879.2); short protein forms T264A, T205A.
Identifiers: ClinVar variation 1031547 (VCV001031547.5), dbSNP rs149824165, ClinGen allele CA4792546.